The following is an entry in ClinVar:

ClinVar aggregate classification (germline): Uncertain significance. Review status: criteria provided, multiple submitters, no conflicts (2 of 4 stars). 3 submissions from 3 submitters: Uncertain significance (3). Last evaluated 2025-10-25.

Conditions:
Inborn genetic diseases. Identifiers: MedGen C0950123, MeSH D030342.
FAT1-related disorder. Also called: FAT1-related condition.

Allele frequency attached by ClinVar (database versions not stated): ExAC 0.00002; gnomAD exomes 0.00005; gnomAD 0.00011; TOPMed 0.00014; 1000 Genomes Project 30x 0.00016; 1000 Genomes Project 0.00020.
gnomAD v4.1: 86 of 1,614,008 alleles (0.0053%); highest among the groups gnomAD compares: Admixed American, 0.057%; no homozygotes.

Submissions (3):

PreventionGenetics, part of Exact Sciences
Classification: Uncertain significance for FAT1-related condition. Last evaluated: 2025-10-25. Review status: criteria provided, single submitter. Criteria: ACMG Guidelines, 2015. Collection method: clinical testing. Allele origin: germline.
Comment: The FAT1 c.2411C>T variant is predicted to result in the amino acid substitution p.Ala804Val. To our knowledge, this variant has not been reported in the literature. This variant is reported in 0.040% of alleles in individuals of Latino descent in gnomAD. At this time, the clinical significance of this variant is uncertain due to the absence of conclusive functional and genetic evidence.

Ambry Genetics
Classification: Uncertain significance for Inborn genetic diseases. Last evaluated: 2024-12-31. Review status: criteria provided, single submitter. Criteria: Ambry Variant Classification Scheme 2023. Collection method: clinical testing. Allele origin: germline.

Labcorp Genetics (formerly Invitae), Labcorp
Classification: Uncertain significance. Last evaluated: 2022-09-01. Review status: criteria provided, single submitter. Criteria: Invitae Variant Classification Sherloc (09022015). Collection method: clinical testing. Allele origin: germline.
Comment: This sequence change replaces alanine, which is neutral and non-polar, with valine, which is neutral and non-polar, at codon 804 of the FAT1 protein (p.Ala804Val). This variant is present in population databases (rs549553973, gnomAD 0.04%). This variant has not been reported in the literature in individuals affected with FAT1-related conditions. Algorithms developed to predict the effect of missense changes on protein structure and function are either unavailable or do not agree on the potential impact of this missense change (SIFT: "Deleterious"; PolyPhen-2: "Benign"; Align-GVGD: "Class C0"). In summary, the available evidence is currently insufficient to determine the role of this variant in disease. Therefore, it has been classified as a Variant of Uncertain Significance.

NM_005245.4(FAT1):c.2411C>T (p.Ala804Val)

Gene: FAT1 (FAT atypical cadherin 1; minus strand). Cytogenetic location: 4q35.2.
Variant type: single nucleotide variant.
Coding change: c.2411C>T on transcript NM_005245.4 (MANE Select); coding-DNA position 2411, C replaced by T.
Protein change: p.Ala804Val; replaces alanine 804 with valine.
Molecular consequence: missense variant.
Genome position (GRCh38, 1-based): chr4:186,707,417, G>A on the plus strand (C>T on the coding strand, the complement: FAT1 is on the minus strand). VCF-style: chr4-186707417-G-A. GRCh37 (hg19) VCF-style: chr4-187628571-G-A.
Other names: short protein forms A804V.
Identifiers: ClinVar variation 2062611 (VCV002062611.4), dbSNP rs549553973, ClinGen allele CA3167267.